The following is an entry in ClinVar:

NM_001394372.1(BICRA):c.1988C>A (p.Thr663Asn)

Gene: BICRA (BRD4 interacting chromatin remodeling complex associated protein; plus strand). Cytogenetic location: 19q13.33.
Variant type: single nucleotide variant.
Coding change: c.1988C>A on transcript NM_001394372.1 (MANE Select); coding-DNA position 1988, C replaced by A.
Protein change: p.Thr663Asn; replaces threonine 663 with asparagine.
Molecular consequence: missense variant.
Genome position (GRCh38, 1-based): chr19:47,681,158, C>A. VCF-style: chr19-47681158-C-A. GRCh37 (hg19) VCF-style: chr19-48184415-C-A.
Other names: c.1988C>A, p.Thr663Asn (NM_015711.3); short protein forms T663N.
Identifiers: ClinVar variation 5021052 (VCV005021052.1).

ClinVar aggregate classification (germline): Uncertain significance (1 of 4 stars; one submission).

gnomAD v4.1: 3 of 1,508,742 alleles (0.0002%); highest among the groups gnomAD compares: Admixed American, 0.002%; no homozygotes.

Submission:

Dasa
Classification: Uncertain significance. Last evaluated: 2024-11-05. Review status: criteria provided, single submitter. Criteria: DASA Assertion Criteria. Collection method: clinical testing. Allele origin: germline.
Comment: NM_001394372.1(BICRA):c.1988C>A (p.Thr663Asn) is a missense variant that results in the substitution of threonine with asparagine. This variant is rare in population databases. Computational prediction algorithms are consistent with a benign effect. The currently available literature and clinical evidence are not sufficient to establish a definitive association between this variant and the reported condition. Therefore, this variant is classified as a variant of uncertain significance.